The following is an entry in ClinVar:

NM_007217.4(PDCD10):c.208A>T (p.Lys70Ter)

Gene: PDCD10 (programmed cell death 10; minus strand). Cytogenetic location: 3q26.1.
Variant type: single nucleotide variant.
Coding change: c.208A>T on transcript NM_007217.4 (MANE Select); coding-DNA position 208, A replaced by T.
Protein change: p.Lys70Ter; replaces lysine 70 with a stop codon.
Molecular consequence: nonsense.
Genome position (GRCh38, 1-based): chr3:167,697,069, T>A on the plus strand (A>T on the coding strand, the complement: PDCD10 is on the minus strand). VCF-style: chr3-167697069-T-A. GRCh37 (hg19) VCF-style: chr3-167414857-T-A.
Other names: c.208A>T, p.Lys70Ter (NM_145859.2, NM_145860.2); short protein forms K70*.
Identifiers: ClinVar variation 2428525 (VCV002428525.5), dbSNP rs2475731521, ClinGen allele CA355154826.

ClinVar aggregate classification (germline): Pathogenic. Review status: criteria provided, multiple submitters, no conflicts (2 of 4 stars). 2 submissions from 2 submitters: Pathogenic (2). Last evaluated 2024-07-13.

Conditions:
Cerebral cavernous malformation 3. Also called: Familial Cerebral Cavernous Malformation 3. Identifiers: Orphanet 221061, MedGen C1864040, MONDO:0011305, OMIM 603285.

Submissions (2):

Labcorp Genetics (formerly Invitae), Labcorp
Classification: Pathogenic for Cerebral cavernous malformation 3. Last evaluated: 2024-07-13. Review status: criteria provided, single submitter. Criteria: Invitae Variant Classification Sherloc (09022015). Collection method: clinical testing. Allele origin: germline.
Comment: This sequence change creates a premature translational stop signal (p.Lys70*) in the PDCD10 gene. It is expected to result in an absent or disrupted protein product. Loss-of-function variants in PDCD10 are known to be pathogenic (PMID: 15543491, 18300272, 23801932). This variant is not present in population databases (gnomAD no frequency). This variant has not been reported in the literature in individuals affected with PDCD10-related conditions. ClinVar contains an entry for this variant (Variation ID: 2428525). For these reasons, this variant has been classified as Pathogenic.

ARUP Laboratories, Molecular Genetics and Genomics, ARUP Laboratories
Classification: Pathogenic for Cerebral cavernous malformation 3. Last evaluated: 2022-09-13. Review status: criteria provided, single submitter. Criteria: ARUP Molecular Germline Variant Investigation Process 2021. Collection method: clinical testing. Allele origin: germline.
Comment: The PDCD10 c.208A>T; p.Lys70Ter variant, to our knowledge, is not reported in the medical literature or gene specific databases. This variant is also absent from general population databases (Exome Variant Server, Genome Aggregation Database), indicating it is not a common polymorphism. This variant induces an early termination codon and is predicted to result in a truncated protein or mRNA subject to nonsense-mediated decay. Additionally, multiple downstream truncating variants have been described in individuals with cerebral cavernous malformations and are considered pathogenic (Riant 2013, Spiegler 2014). Based on available information, the p.Lys70Ter variant is considered to be pathogenic. References: Riant F et al. CCM molecular screening in a diagnosis context: novel unclassified variants leading to abnormal splicing and importance of large deletions. Neurogenetics. 2013 May;14(2):133-41. PMID: 23595507. Spiegler S et al. High mutation detection rates in cerebral cavernous malformation upon stringent inclusion criteria: one-third of probands are minors. Mol Genet Genomic Med. 2014 Mar;2(2):176-85. PMID: 24689081.

Literature cited by the submitters: PubMed 15543491 (cited by Labcorp Genetics (formerly Invitae), Labcorp); PubMed 18300272 (cited by Labcorp Genetics (formerly Invitae), Labcorp); PubMed 23801932 (cited by Labcorp Genetics (formerly Invitae), Labcorp).